The following is an entry in ClinVar:

ClinVar aggregate classification (germline): Uncertain significance (1 of 4 stars; one submission).

Conditions:
EPILEPSY, CHILDHOOD ABSENCE, SUSCEPTIBILITY TO, 2 (ECA2). Identifiers: Orphanet 64280, MedGen C1843244, OMIM 607681.
Febrile seizures, familial, 8 (FEB8). Also called: CONVULSIONS, FAMILIAL FEBRILE, 8. Identifiers: Orphanet 36387, MedGen C1969810, MONDO:0011891, OMIM 607681.

Submission:

Labcorp Genetics (formerly Invitae), Labcorp
Classification: Uncertain significance for Febrile seizures, familial, 8; EPILEPSY, CHILDHOOD ABSENCE, SUSCEPTIBILITY TO, 2. Last evaluated: 2022-11-26. Review status: criteria provided, single submitter. Criteria: Invitae Variant Classification Sherloc (09022015). Collection method: clinical testing. Allele origin: germline.
Comment: In summary, the available evidence is currently insufficient to determine the role of this variant in disease. Therefore, it has been classified as a Variant of Uncertain Significance. Variants that disrupt the consensus splice site are a relatively common cause of aberrant splicing (PMID: 17576681, 9536098). Algorithms developed to predict the effect of sequence changes on RNA splicing suggest that this variant is not likely to affect RNA splicing. This sequence change falls in intron 3 of the GABRG2 gene. It does not directly change the encoded amino acid sequence of the GABRG2 protein. It affects a nucleotide within the consensus splice site. This variant is not present in population databases (gnomAD no frequency). This variant has not been reported in the literature in individuals affected with GABRG2-related conditions. ClinVar contains an entry for this variant (Variation ID: 1466344).

Literature cited by the submitters: PubMed 17576681; PubMed 9536098.

NM_198904.4(GABRG2):c.327+6T>C

Gene: GABRG2 (gamma-aminobutyric acid type A receptor subunit gamma2; plus strand). Cytogenetic location: 5q34.
Variant type: single nucleotide variant.
Coding change: c.327+6T>C on transcript NM_198904.4 (MANE Select); 6 bases into the intron after coding-DNA position 327, T replaced by C.
Molecular consequence: intron variant.
Genome position (GRCh38, 1-based): chr5:162,095,568, T>C. VCF-style: chr5-162095568-T-C. GRCh37 (hg19) VCF-style: chr5-161522574-T-C.
Other names: c.42+6T>C (NM_001375349.1); c.327+6T>C (NM_001375343.1, NM_001375344.1, NM_001375340.1 and 4 more transcripts); c.-32+6T>C (NM_001375350.1, NM_001375348.1); c.318+6T>C (NM_001375339.1); c.261+6T>C (NM_001375346.1, NM_001375345.1); c.240+6T>C (NM_001375347.1).
Identifiers: ClinVar variation 1466344 (VCV001466344.6), dbSNP rs1760938978, ClinGen allele CA2573139344.